The following is an entry in ClinVar:

NM_000326.5(RLBP1):c.141G>A (p.Lys47=)

Gene: RLBP1 (retinaldehyde binding protein 1; minus strand). Cytogenetic location: 15q26.1.
Variant type: single nucleotide variant.
Coding change: c.141G>A on transcript NM_000326.5 (MANE Select); coding-DNA position 141, G replaced by A.
Protein change: p.Lys47=; no amino-acid change (lysine 47 retained).
Molecular consequence: synonymous variant.
Genome position (GRCh38, 1-based): chr15:89,218,565, C>T on the plus strand (G>A on the coding strand, the complement: RLBP1 is on the minus strand). VCF-style: chr15-89218565-C-T. GRCh37 (hg19) VCF-style: chr15-89761796-C-T.
Other names: 324G-A.
Identifiers: ClinVar variation 13099 (VCV000013099.9), dbSNP rs766278489, ClinGen allele CA7722387.

ClinVar aggregate classification (germline): Pathogenic. Review status: criteria provided, multiple submitters, no conflicts (2 of 4 stars). 5 submissions from 4 submitters: Pathogenic (3). 2 of the submissions do not count toward it. Last evaluated 2025-04-18.

Conditions:
Retinitis punctata albescens. Identifiers: Orphanet 52427, MedGen C1405854, MONDO:0018877.
Retinitis pigmentosa (RP). Identifiers: Orphanet 791, MedGen C0035334, MeSH D012174, MONDO:0019200, OMIM 268000. Inheritance: Autosomal dominant, autosomal recessive and X linked inheritance.
Newfoundland cone-rod dystrophy. Identifiers: MedGen C1843815, MONDO:0011839, OMIM 607476.
RLBP1-related disorder. Also called: RLBP1-related disorders; RLBP1-related condition. Identifiers: MedGen CN239413.

Allele frequency attached by ClinVar (database versions not stated): ExAC 0.00001; gnomAD exomes 0.00001.
gnomAD v4.1: 14 of 1,614,242 alleles (0.00087%); highest among the groups gnomAD compares: South Asian, 0.0011%; no homozygotes.

Submissions (5):

Women's Health and Genetics/Laboratory Corporation of America, LabCorp
Classification: Pathogenic for Retinitis pigmentosa. Last evaluated: 2025-04-18. Review status: criteria provided, single submitter. Criteria: LabCorp Variant Classification Summary - May 2015. Collection method: clinical testing. Allele origin: germline.
Comment: Variant summary: RLBP1 c.141G>A (p.Lys47Lys) alters a conserved nucleotide located close to a canonical splice site and therefore could affect mRNA splicing, leading to a significantly altered protein sequence. Several computational tools predict a significant impact on normal splicing: One predict the variant abolishes a 5' splicing donor site. Three predict the variant weakens a 5' donor site. However, these predictions have yet to be confirmed by functional studies. The variant allele was found at a frequency of 8e-06 in 251388 control chromosomes. c.141G>A has been observed as homozygous or compound heterozygous genotype in the literature in multiple individuals affected with Retinitis Pigmentosa (Eichers_2002). These data indicate that the variant is very likely to be associated with disease. To our knowledge, no experimental evidence demonstrating an impact on protein function has been reported. The following publication have been ascertained in the context of this evaluation (PMID: 11868161). ClinVar contains an entry for this variant (Variation ID: 13099). Based on the evidence outlined above, the variant was classified as pathogenic.

Blueprint Genetics
Classification: Pathogenic for RLBP1-related disorders. Last evaluated: 2024-02-27. Review status: criteria provided, single submitter. Criteria: ACMG Guidelines, 2015. Collection method: clinical testing. Allele origin: germline. Affected: yes. Observed: 4 variant alleles.

Labcorp Genetics (formerly Invitae), Labcorp
Classification: Pathogenic. Last evaluated: 2023-07-29. Review status: criteria provided, single submitter. Criteria: Invitae Variant Classification Sherloc (09022015). Collection method: clinical testing. Allele origin: germline.
Comment: For these reasons, this variant has been classified as Pathogenic. This variant has been observed in individuals with rod-cone dystrophy (PMID: 11868161). It has also been observed to segregate with disease in related individuals. This variant is also known as 324G->A. ClinVar contains an entry for this variant (Variation ID: 13099). Variants that disrupt the consensus splice site are a relatively common cause of aberrant splicing (PMID: 17576681, 9536098). Algorithms developed to predict the effect of sequence changes on RNA splicing suggest that this variant may disrupt the consensus splice site. This variant is present in population databases (rs766278489, gnomAD 0.002%). This sequence change affects codon 47 of the RLBP1 mRNA. It is a 'silent' change, meaning that it does not change the encoded amino acid sequence of the RLBP1 protein. This variant also falls at the last nucleotide of exon 4, which is part of the consensus splice site for this exon.

OMIM
Classification: Pathogenic for NEWFOUNDLAND ROD-CONE DYSTROPHY. Last evaluated: 2002-04-01. Review status: no assertion criteria provided. Collection method: literature only. Allele origin: germline. Not counted in ClinVar's aggregate classification.

OMIM
Classification: Pathogenic for RETINITIS PUNCTATA ALBESCENS. Last evaluated: 2002-04-01. Review status: no assertion criteria provided. Collection method: literature only. Allele origin: germline. Not counted in ClinVar's aggregate classification.

Literature cited by the submitters: PubMed 11868161 (cited by 3 submitters); PubMed 17576681 (cited by Labcorp Genetics (formerly Invitae), Labcorp); PubMed 9536098 (cited by Labcorp Genetics (formerly Invitae), Labcorp); PubMed 10102299 (cited by OMIM).